The following is an entry in ClinVar:

NM_001040108.2(MLH3):c.4190G>A (p.Arg1397Lys)

Gene: MLH3 (mutL homolog 3; minus strand). Cytogenetic location: 14q24.3.
Variant type: single nucleotide variant.
Coding change: c.4190G>A on transcript NM_001040108.2 (MANE Select); coding-DNA position 4190, G replaced by A.
Protein change: p.Arg1397Lys; replaces arginine 1397 with lysine.
Molecular consequence: missense variant.
Genome position (GRCh38, 1-based): chr14:75,018,881, C>T on the plus strand (G>A on the coding strand, the complement: MLH3 is on the minus strand). VCF-style: chr14-75018881-C-T. GRCh37 (hg19) VCF-style: chr14-75485584-C-T.
Other names: c.4118G>A, p.Arg1373Lys (NM_014381.3); short protein forms R1397K, R1373K.
Identifiers: ClinVar variation 2715978 (VCV002715978.4), dbSNP rs2503044201, ClinGen allele CA390418860.

ClinVar aggregate classification (germline): Uncertain significance. Review status: criteria provided, multiple submitters, no conflicts (2 of 4 stars). 2 submissions from 2 submitters: Uncertain significance (2). Last evaluated 2024-10-09.

Conditions:
Colorectal cancer, hereditary nonpolyposis, type 7. Identifiers: Orphanet 144, MedGen C1858380, MONDO:0013725, OMIM 614385.

Allele frequency attached by ClinVar (database versions not stated): gnomAD exomes below 0.00001.
gnomAD v4.1: 2 of 1,614,134 alleles (0.00012%); highest among the groups gnomAD compares: Non-Finnish European, 0.00017%; no homozygotes.

Submissions (2):

Labcorp Genetics (formerly Invitae), Labcorp
Classification: Uncertain significance for Colorectal cancer, hereditary nonpolyposis, type 7. Last evaluated: 2024-10-09. Review status: criteria provided, single submitter. Criteria: Invitae Variant Classification Sherloc (09022015). Collection method: clinical testing. Allele origin: germline.
Comment: This sequence change replaces arginine, which is basic and polar, with lysine, which is basic and polar, at codon 1397 of the MLH3 protein (p.Arg1397Lys). This variant is not present in population databases (gnomAD no frequency). This variant has not been reported in the literature in individuals affected with MLH3-related conditions. An algorithm developed to predict the effect of missense changes on protein structure and function (PolyPhen-2) suggests that this variant is likely to be disruptive. In summary, the available evidence is currently insufficient to determine the role of this variant in disease. Therefore, it has been classified as a Variant of Uncertain Significance.

Ambry Genetics
Classification: Uncertain significance. Last evaluated: 2024-03-09. Review status: criteria provided, single submitter. Criteria: Ambry Variant Classification Scheme 2023. Collection method: clinical testing. Allele origin: germline.
Comment: The p.R1397K variant (also known as c.4190G>A), located in coding exon 11 of the MLH3 gene, results from a G to A substitution at nucleotide position 4190. The arginine at codon 1397 is replaced by lysine, an amino acid with highly similar properties. This amino acid position is conserved. In addition, this alteration is predicted to be deleterious by in silico analysis. Based on the available evidence, the clinical significance of this alteration remains unclear.